The following is an entry in ClinVar:

NM_006258.4(PRKG1):c.27C>T (p.Tyr9=)

Gene: PRKG1 (protein kinase cGMP-dependent 1; plus strand). Cytogenetic location: 10q11.23.
Variant type: single nucleotide variant.
Coding change: c.27C>T on transcript NM_006258.4 (MANE Select); coding-DNA position 27, C replaced by T.
Protein change: p.Tyr9=; no amino-acid change (tyrosine 9 retained).
Molecular consequence: synonymous variant. On other transcripts: intron variant (1).
Genome position (GRCh38, 1-based): chr10:51,074,617, C>T. VCF-style: chr10-51074617-C-T. GRCh37 (hg19) VCF-style: chr10-52834377-C-T.
Other names: c.267-78547C>T (LRG_1135t2, NM_001098512.3); c.27C>T, p.Tyr9= (LRG_1135t1).
Identifiers: ClinVar variation 509633 (VCV000509633.12), dbSNP rs777472224, ClinGen allele CA5503054.

ClinVar aggregate classification (germline): Likely benign. Review status: criteria provided, multiple submitters, no conflicts (2 of 4 stars). 3 submissions from 3 submitters: Likely benign (3). Last evaluated 2025-11-18.

Conditions:
Familial thoracic aortic aneurysm and aortic dissection (TAAD). Also called: Thoracic aortic aneurysms and dissections. Identifiers: Orphanet 91387, MedGen C4707243, MONDO:0019625.
Aortic aneurysm, familial thoracic 8 (AAT8). Identifiers: MedGen C3809513, MONDO:0014187, OMIM 615436.

Allele frequency attached by ClinVar (database versions not stated): ExAC 0.00001; gnomAD 0.00001; TOPMed 0.00001; gnomAD exomes 0.00002.
gnomAD v4.1: 32 of 1,613,276 alleles (0.002%); highest among the groups gnomAD compares: Non-Finnish European, 0.0026%; no homozygotes.

Submissions (3):

Labcorp Genetics (formerly Invitae), Labcorp
Classification: Likely benign for Aortic aneurysm, familial thoracic 8. Last evaluated: 2025-11-18. Review status: criteria provided, single submitter. Criteria: Invitae Variant Classification Sherloc (09022015). Collection method: clinical testing. Allele origin: germline.

Ambry Genetics
Classification: Likely benign for Familial thoracic aortic aneurysm and aortic dissection. Last evaluated: 2022-04-19. Review status: criteria provided, single submitter. Criteria: Ambry Variant Classification Scheme 2023. Collection method: clinical testing. Allele origin: germline.

GeneDx
Classification: Likely benign. Last evaluated: 2017-05-17. Review status: criteria provided, single submitter. Criteria: GeneDx Variant Classification (06012015). Collection method: clinical testing. Allele origin: germline. Affected: yes.
Comment: This variant is considered likely benign or benign based on one or more of the following criteria: it is a conservative change, it occurs at a poorly conserved position in the protein, it is predicted to be benign by multiple in silico algorithms, and/or has population frequency not consistent with disease.